The following is an entry in ClinVar:

ClinVar aggregate classification (germline): Uncertain significance (1 of 4 stars; one submission).

Conditions:
PCNT-related disorder. Also called: PCNT-related condition.

gnomAD v4.1: 24 of 1,612,032 alleles (0.0015%); highest among the groups gnomAD compares: Non-Finnish European, 0.002%; no homozygotes.

Submission:

PreventionGenetics, part of Exact Sciences
Classification: Uncertain significance for PCNT-related condition. Last evaluated: 2025-03-19. Review status: criteria provided, single submitter. Criteria: ACMG Guidelines, 2015. Collection method: clinical testing. Allele origin: germline.
Comment: The PCNT c.2516G>A variant is predicted to result in the amino acid substitution p.Cys839Tyr. To our knowledge, this variant has not been reported in the literature. This variant is reported in 0.0065% of alleles in individuals of European (Non-Finnish) descent in gnomAD. At this time, the clinical significance of this variant is uncertain due to the absence of conclusive functional and genetic evidence.

NM_006031.6(PCNT):c.2516G>A (p.Cys839Tyr)

Gene: PCNT (pericentrin; plus strand). Cytogenetic location: 21q22.3.
Variant type: single nucleotide variant.
Coding change: c.2516G>A on transcript NM_006031.6 (MANE Select); coding-DNA position 2516, G replaced by A.
Protein change: p.Cys839Tyr; replaces cysteine 839 with tyrosine.
Molecular consequence: missense variant.
Genome position (GRCh38, 1-based): chr21:46,363,841, G>A. VCF-style: chr21-46363841-G-A. GRCh37 (hg19) VCF-style: chr21-47783756-G-A.
Other names: c.2162G>A, p.Cys721Tyr (NM_001315529.2); short protein forms C721Y, C839Y.
Identifiers: ClinVar variation 3356005 (VCV003356005.2).